The following is an entry in ClinVar:

ClinVar aggregate classification (germline): Uncertain significance. Review status: criteria provided, single submitter (1 of 4 stars). 2 submissions from 2 submitters: Uncertain significance (1). 1 of the submissions does not count toward it. Last evaluated 2025-02-01.

Conditions:
PCNT-related disorder. Also called: PCNT-related condition.

Allele frequency attached by ClinVar (database versions not stated): gnomAD 0.00002; TOPMed 0.00002.
gnomAD v4.1: 53 of 1,614,014 alleles (0.0033%); highest among the groups gnomAD compares: South Asian, 0.035%; no homozygotes.

Submissions (2):

CeGaT Center for Human Genetics Tuebingen
Classification: Uncertain significance. Last evaluated: 2025-02-01. Review status: criteria provided, single submitter. Criteria: CeGaT Center For Human Genetics Tuebingen Variant Classification Criteria Version 2. Collection method: clinical testing. Allele origin: germline. Affected: yes. Observed: 1 variant allele.
Comment: PCNT: PM2, BP4

PreventionGenetics, part of Exact Sciences
Classification: Uncertain significance for PCNT-related condition. Last evaluated: 2024-05-01. Review status: no assertion criteria provided. Collection method: clinical testing. Allele origin: germline. Not counted in ClinVar's aggregate classification.
Comment: The PCNT c.7799C>T variant is predicted to result in the amino acid substitution p.Ala2600Val. To our knowledge, this variant has not been reported in the literature. This variant is reported in 0.042% of alleles in individuals of South Asian descent in gnomAD. At this time, the clinical significance of this variant is uncertain due to the absence of conclusive functional and genetic evidence.

NM_006031.6(PCNT):c.7799C>T (p.Ala2600Val)

Gene: PCNT (pericentrin; plus strand). Cytogenetic location: 21q22.3.
Variant type: single nucleotide variant.
Coding change: c.7799C>T on transcript NM_006031.6 (MANE Select); coding-DNA position 7799, C replaced by T.
Protein change: p.Ala2600Val; replaces alanine 2600 with valine.
Molecular consequence: missense variant.
Genome position (GRCh38, 1-based): chr21:46,430,118, C>T. VCF-style: chr21-46430118-C-T. GRCh37 (hg19) VCF-style: chr21-47850032-C-T.
Other names: c.7445C>T, p.Ala2482Val (NM_001315529.2); short protein forms A2482V, A2600V.
Identifiers: ClinVar variation 2629140 (VCV002629140.15), dbSNP rs762085456, ClinGen allele CA10080793.